The following is an entry in ClinVar:

ClinVar aggregate classification (germline): Uncertain significance (1 of 4 stars; one submission).

Conditions:
Familial hemiplegic migraine. Identifiers: MedGen C0338484, MONDO:0000700.

Submission:

Labcorp Genetics (formerly Invitae), Labcorp
Classification: Uncertain significance for Familial hemiplegic migraine. Last evaluated: 2024-10-15. Review status: criteria provided, single submitter. Criteria: Invitae Variant Classification Sherloc (09022015). Collection method: clinical testing. Allele origin: germline.
Comment: This sequence change replaces methionine, which is neutral and non-polar, with threonine, which is neutral and polar, at codon 504 of the ATP1A2 protein (p.Met504Thr). This variant is not present in population databases (gnomAD no frequency). This variant has not been reported in the literature in individuals affected with ATP1A2-related conditions. Invitae Evidence Modeling of protein sequence and biophysical properties (such as structural, functional, and spatial information, amino acid conservation, physicochemical variation, residue mobility, and thermodynamic stability) has been performed for this missense variant. However, the output from this modeling did not meet the statistical confidence thresholds required to predict the impact of this variant on ATP1A2 protein function. In summary, the available evidence is currently insufficient to determine the role of this variant in disease. Therefore, it has been classified as a Variant of Uncertain Significance.

NM_000702.4(ATP1A2):c.1511T>C (p.Met504Thr)

Gene: ATP1A2 (ATPase Na+/K+ transporting subunit alpha 2; plus strand). Cytogenetic location: 1q23.2.
Variant type: single nucleotide variant.
Coding change: c.1511T>C on transcript NM_000702.4 (MANE Select); coding-DNA position 1511, T replaced by C.
Protein change: p.Met504Thr; replaces methionine 504 with threonine.
Molecular consequence: missense variant.
Genome position (GRCh38, 1-based): chr1:160,130,151, T>C. VCF-style: chr1-160130151-T-C. GRCh37 (hg19) VCF-style: chr1-160099941-T-C.
Other names: short protein forms M504T.
Identifiers: ClinVar variation 3692390 (VCV003692390.2).
Genomic context (GRCh38, chr1:160,130,151, plus strand): 5'-TGTCTCTCCAGCTGTCTATCCACGAGCGAGAAGACAGCCCCCAGAGCCACGTGCTGGTGA[T>C]GAAGGGGGCCCCAGAGCGCATTCTGGACCGGTGCTCCACCATCCTGGTGCAGGGCAAGGA-3'
Protein context (NP_000693.1, residues 494-514): EDSPQSHVLV[Met504Thr]KGAPERILDR